The following is an entry in ClinVar:

NM_001379029.1(CERT1):c.473G>C (p.Arg158Pro)

Gene: CERT1 (ceramide transporter 1; minus strand). Cytogenetic location: 5q13.3.
Variant type: single nucleotide variant.
Coding change: c.473G>C on transcript NM_001379029.1 (MANE Select); coding-DNA position 473, G replaced by C.
Protein change: p.Arg158Pro; replaces arginine 158 with proline.
Molecular consequence: missense variant.
Genome position (GRCh38, 1-based): chr5:75,425,483, C>G on the plus strand (G>C on the coding strand, the complement: CERT1 is on the minus strand). VCF-style: chr5-75425483-C-G. GRCh37 (hg19) VCF-style: chr5-74721308-C-G.
Other names: c.473G>C, p.Arg158Pro (NM_001379004.1, NM_005713.3, NM_031361.3 and 2 more transcripts); c.857G>C, p.Arg286Pro (NM_001130105.1); short protein forms R158P, R286P.
Identifiers: ClinVar variation 5017994 (VCV005017994.1).
Genomic context (GRCh38, chr5:75,425,483, plus strand): 5'-AGCGTGTCAACTTGTCTACATAAGATGTCTCTAAATGTTTCCATTTCAGCCAACTTCTCA[C>G]GTAAACTGTGGCCTTTCTGCAAAACATAAAATAGGGGGATGTAATTCAAGTAAAACAAAA-3'
Protein context (NP_001365958.1, residues 148-168): TSSFKKGHSL[Arg158Pro]EKLAEMETFR

ClinVar aggregate classification (germline): Uncertain significance (1 of 4 stars; one submission).

Submission:

GeneDx
Classification: Uncertain significance. Last evaluated: 2026-04-03. Review status: criteria provided, single submitter. Criteria: GeneDx Variant Classification Process June 2021. Collection method: clinical testing. Allele origin: germline.
Comment: Not observed at significant frequency in large population cohorts (gnomAD); In silico analysis supports that this missense variant has a deleterious effect on protein structure/function; Has not been previously published as pathogenic or benign to our knowledge